The following is an entry in ClinVar:

NM_000553.6(WRN):c.1885A>G (p.Thr629Ala)

Gene: WRN (WRN RecQ like helicase; plus strand). Cytogenetic location: 8p12.
Variant type: single nucleotide variant.
Coding change: c.1885A>G on transcript NM_000553.6 (MANE Select); coding-DNA position 1885, A replaced by G.
Protein change: p.Thr629Ala; replaces threonine 629 with alanine.
Molecular consequence: missense variant.
Genome position (GRCh38, 1-based): chr8:31,091,885, A>G. VCF-style: chr8-31091885-A-G. GRCh37 (hg19) VCF-style: chr8-30949401-A-G.
Other names: short protein forms T629A.
Identifiers: ClinVar variation 654426 (VCV000654426.5), dbSNP rs1585442087, ClinGen allele CA370928510.

ClinVar aggregate classification (germline): Uncertain significance (1 of 4 stars; one submission).

Conditions:
Werner syndrome (WRN). Identifiers: Orphanet 902, MedGen C0043119, MONDO:0010196, OMIM 277700.

Submission:

Labcorp Genetics (formerly Invitae), Labcorp
Classification: Uncertain significance for Werner syndrome. Last evaluated: 2025-11-10. Review status: criteria provided, single submitter. Criteria: Invitae Variant Classification Sherloc (09022015). Collection method: clinical testing. Allele origin: germline.
Comment: This sequence change replaces threonine, which is neutral and polar, with alanine, which is neutral and non-polar, at codon 629 of the WRN protein (p.Thr629Ala). This variant is not present in population databases (gnomAD no frequency). This variant has not been reported in the literature in individuals affected with WRN-related conditions. ClinVar contains an entry for this variant (Variation ID: 654426). An algorithm developed to predict the effect of missense changes on protein structure and function (PolyPhen-2) suggests that this variant is likely to be tolerated. In summary, the available evidence is currently insufficient to determine the role of this variant in disease. Therefore, it has been classified as a Variant of Uncertain Significance.